The following is an entry in ClinVar:

NM_015073.3(SIPA1L3):c.2923G>A (p.Gly975Arg)

Gene: SIPA1L3 (signal induced proliferation associated 1 like 3; plus strand). Cytogenetic location: 19q13.13.
Variant type: single nucleotide variant.
Coding change: c.2923G>A on transcript NM_015073.3 (MANE Select); coding-DNA position 2923, G replaced by A.
Protein change: p.Gly975Arg; replaces glycine 975 with arginine.
Molecular consequence: missense variant.
Genome position (GRCh38, 1-based): chr19:38,130,552, G>A. VCF-style: chr19-38130552-G-A. GRCh37 (hg19) VCF-style: chr19-38621192-G-A.
Other names: short protein forms G975R.
Identifiers: ClinVar variation 1522801 (VCV001522801.6), dbSNP rs768610257, ClinGen allele CA9409832.

ClinVar aggregate classification (germline): Uncertain significance (1 of 4 stars; one submission).

Allele frequency attached by ClinVar (database versions not stated): TOPMed below 0.00001; gnomAD 0.00001.
gnomAD v4.1: 13 of 1,613,582 alleles (0.00081%); highest among the groups gnomAD compares: Admixed American, 0.0033%; no homozygotes.

Submission:

Labcorp Genetics (formerly Invitae), Labcorp
Classification: Uncertain significance. Last evaluated: 2024-11-11. Review status: criteria provided, single submitter. Criteria: Invitae Variant Classification Sherloc (09022015). Collection method: clinical testing. Allele origin: germline.
Comment: This sequence change replaces glycine, which is neutral and non-polar, with arginine, which is basic and polar, at codon 975 of the SIPA1L3 protein (p.Gly975Arg). This variant is present in population databases (rs768610257, gnomAD 0.006%). This variant has not been reported in the literature in individuals affected with SIPA1L3-related conditions. ClinVar contains an entry for this variant (Variation ID: 1522801). An algorithm developed to predict the effect of missense changes on protein structure and function (PolyPhen-2) suggests that this variant is likely to be disruptive. In summary, the available evidence is currently insufficient to determine the role of this variant in disease. Therefore, it has been classified as a Variant of Uncertain Significance.